The following is an entry in ClinVar:

ClinVar aggregate classification (germline): Uncertain significance (1 of 4 stars; one submission).

Conditions:
Familial adenomatous polyposis 2. Also called: COLORECTAL ADENOMATOUS POLYPOSIS, AUTOSOMAL RECESSIVE; ADENOMAS, MULTIPLE COLORECTAL, AUTOSOMAL RECESSIVE; MYH-associated polyposis; MUTYH-associated polyposis; MUTYH-related attenuated familial adenomatous polyposis; MUTYH Polyposis. Identifiers: Orphanet 220460, Orphanet 247798, MedGen C3272841, MONDO:0012041, OMIM 608456.

Submission:

All of Us Research Program, National Institutes of Health
Classification: Uncertain significance for Familial adenomatous polyposis 2. Last evaluated: 2023-04-15. Review status: criteria provided, single submitter. Criteria: ACMG Guidelines, 2015. Collection method: clinical testing. Allele origin: germline. Inheritance: Autosomal recessive inheritance. Observed: 1 variant allele, 1 heterozygote.
Comment: This study involves interpretation of variants in research participants for the purpose of population health screening. Participant phenotype was not available at the time of variant classification. Additional details can be found in publication PMID: 35346344, PMCID: PMC8962531

NM_001048174.2(MUTYH):c.514_515insTCT (p.His172delinsLeuTyr)

Gene: MUTYH (mutY DNA glycosylase; minus strand). Cytogenetic location: 1p34.1.
Variant type: Insertion.
Coding change: c.514_515insTCT on transcript NM_001048174.2 (MANE Select); coding-DNA positions 514 to 515, TCT inserted.
Protein change: p.His172delinsLeuTyr.
Molecular consequence: inframe indel. On other transcripts: non-coding transcript variant (7).
Genome position: GRCh38 VCF-style: chr1-45332665-T-TAGA. GRCh37 (hg19) VCF-style: chr1-45798337-T-TAGA.
Other names: c.514_515insTCT, p.His172delinsLeuTyr (NM_001048171.2, NM_001407070.1, NM_001407072.1 and 6 more transcripts); c.517_518insTCT, p.His173delinsLeuTyr (NM_001048172.2, NM_001407071.1, NM_001407078.1 and 1 more transcripts); c.169_170insTCT, p.His57delinsLeuTyr (NM_001350651.2, NM_001407082.1, NM_001350650.2); c.547_548insTCT, p.His183delinsLeuTyr (NM_001407069.1, NM_001407077.1, NM_001293191.2); c.430_431insTCT, p.His144delinsLeuTyr (NM_001407075.1); c.475_476insTCT, p.His159delinsLeuTyr (NM_001407079.1); c.472_473insTCT, p.His158delinsLeuTyr (NM_001407080.1); c.556_557insTCT, p.His186delinsLeuTyr (NM_001407083.1, NM_001407085.1); and 5 more.
Identifiers: ClinVar variation 3070340 (VCV003070340.1), dbSNP rs2524154492, ClinGen allele CA2825000966.
Genomic context (GRCh38, chr1:45,332,665, plus strand): 5'-GCTGTGTAGCGCCCCACGCCAGGCAGGAGCTGCTGCAGGGTCTCTGCTGTACGTGGCATG[T>TAGA]GGCCCCCTAGCTCCTCTACCACCTGATTGGAGTGCAAGACTCAAGATTATAAGACACCCA-3'